The following is an entry in ClinVar:

NM_005002.5(NDUFA9):c.318+6G>A

Gene: NDUFA9 (NADH:ubiquinone oxidoreductase subunit A9; plus strand). Cytogenetic location: 12p13.32.
Variant type: single nucleotide variant.
Coding change: c.318+6G>A on transcript NM_005002.5 (MANE Select); 6 bases into the intron after coding-DNA position 318, G replaced by A.
Molecular consequence: intron variant.
Genome position (GRCh38, 1-based): chr12:4,654,928, G>A. VCF-style: chr12-4654928-G-A. GRCh37 (hg19) VCF-style: chr12-4764094-G-A.
Identifiers: ClinVar variation 1388398 (VCV001388398.6), dbSNP rs766530587, ClinGen allele CA6398047.
Genomic context (GRCh38, chr12:4,654,928, plus strand): 5'-ATATGACATCATGCACCTTCGTCCCATGGGTGACCTGGGCCAGCTTCTGTTTCTGGTAAG[G>A]GCCTTTATGACTGAATGAAGTTGACAAATATAAATTACTAAGGTCATTTTTAGGAGTGAT-3'

ClinVar aggregate classification (germline): Uncertain significance (1 of 4 stars; one submission).

Allele frequency attached by ClinVar (database versions not stated): gnomAD exomes below 0.00001; ExAC 0.00001.
gnomAD v4.1: 1 of 1,606,954 alleles (0.000062%); highest among the groups gnomAD compares: Admixed American, 0.0017%; no homozygotes.

Submission:

Labcorp Genetics (formerly Invitae), Labcorp
Classification: Uncertain significance. Last evaluated: 2021-12-02. Review status: criteria provided, single submitter. Criteria: Invitae Variant Classification Sherloc (09022015). Collection method: clinical testing. Allele origin: germline.
Comment: This sequence change falls in intron 3 of the NDUFA9 gene. It does not directly change the encoded amino acid sequence of the NDUFA9 protein. It affects a nucleotide within the consensus splice site. In summary, the available evidence is currently insufficient to determine the role of this variant in disease. Therefore, it has been classified as a Variant of Uncertain Significance. Variants that disrupt the consensus splice site are a relatively common cause of aberrant splicing (PMID: 17576681, 9536098). Algorithms developed to predict the effect of sequence changes on RNA splicing suggest that this variant is not likely to affect RNA splicing. This variant has not been reported in the literature in individuals affected with NDUFA9-related conditions. This variant is present in population databases (rs766530587, gnomAD 0.003%).

Literature cited by the submitters: PubMed 17576681; PubMed 9536098.